The following is an entry in ClinVar:

NM_002691.4(POLD1):c.1920_1928del (p.Pro641_Gly643del)

Gene: POLD1 (DNA polymerase delta 1, catalytic subunit; plus strand). Cytogenetic location: 19q13.33.
Variant type: Deletion.
Coding change: c.1920_1928del on transcript NM_002691.4 (MANE Select); coding-DNA positions 1920 to 1928, 9 bases deleted (CCCCACCGG; older notation c.1920_1928delCCCCACCGG).
Protein change: p.Pro641_Gly643del.
Molecular consequence: inframe deletion. On other transcripts: non-coding transcript variant (1).
Genome position (GRCh38, 1-based): chr19:50,409,149-50,409,157, CCCCACCGG deleted. VCF-style (leftmost placement, unchanged base first): chr19-50409148-CCCCCACCGG-C. GRCh37 (hg19) VCF-style: chr19-50912405-CCCCCACCGG-C.
Other names: c.1920_1928del, p.Pro641_Gly643del (NM_001256849.1); c.1998_2006del, p.Pro667_Gly669del (NM_001308632.1).
Identifiers: ClinVar variation 2113837 (VCV002113837.4), dbSNP rs2514015168, ClinGen allele CA2580097678.
Genomic context (GRCh38, chr19:50,409,148, plus strand): 5'-TGGCCGGCAGTCACCCCAACATCTTCCAACCCAGCCTGACTGAGGATCAGTTCATCAGGA[CCCCCACCGG>C]GGACGAGTTTGTGAAGACCTCAGTGCGGAAGGGGCTGCTGCCCCAGATCCTGGAGAACCT-3'

ClinVar aggregate classification (germline): Uncertain significance (1 of 4 stars; one submission).

Conditions:
POLD1-related polyposis and colorectal cancer syndrome (CRCS10). Also called: Colorectal cancer 10; COLORECTAL CANCER, SUSCEPTIBILITY TO, ON CHROMOSOME 19q; Colorectal cancer, susceptibility to, 10. Identifiers: Orphanet 220460, MedGen C2675481, MONDO:0012953, OMIM 612591.

Submission:

Labcorp Genetics (formerly Invitae), Labcorp
Classification: Uncertain significance for POLD1-related polyposis and colorectal cancer syndrome. Last evaluated: 2022-04-28. Review status: criteria provided, single submitter. Criteria: Invitae Variant Classification Sherloc (09022015). Collection method: clinical testing. Allele origin: germline.
Comment: This variant is not present in population databases (gnomAD no frequency). This variant, c.1920_1928del, results in the deletion of 3 amino acid(s) of the POLD1 protein (p.Pro641_Gly643del), but otherwise preserves the integrity of the reading frame. This variant has not been reported in the literature in individuals affected with POLD1-related conditions. Experimental studies and prediction algorithms are not available or were not evaluated, and the functional significance of this variant is currently unknown. In summary, the available evidence is currently insufficient to determine the role of this variant in disease. Therefore, it has been classified as a Variant of Uncertain Significance.